The following is an entry in ClinVar:

ClinVar aggregate classification (germline): Likely benign. Review status: criteria provided, single submitter (1 of 4 stars). 2 submissions from 2 submitters: Likely benign (1). 1 of the submissions does not count toward it. Last evaluated 2025-12-29.

Conditions:
MTHFD1-related disorder. Also called: MTHFD1-related condition.

Allele frequency attached by ClinVar (database versions not stated): gnomAD 0.00055 and 0.00057; TOPMed 0.00068; gnomAD exomes 0.00016; 1000 Genomes Project 30x 0.00047; ExAC 0.00017; 1000 Genomes Project 0.00060; ESP Exome Variant Server 0.00062.
gnomAD v4.1: 161 of 1,614,246 alleles (0.01%); highest among the groups gnomAD compares: African/African-American, 0.2%; 1 homozygote.

Submissions (2):

Labcorp Genetics (formerly Invitae), Labcorp
Classification: Likely benign. Last evaluated: 2025-12-29. Review status: criteria provided, single submitter. Criteria: Invitae Variant Classification Sherloc (09022015). Collection method: clinical testing. Allele origin: germline.

PreventionGenetics, part of Exact Sciences
Classification: Likely benign for MTHFD1-related condition. Last evaluated: 2023-10-18. Review status: no assertion criteria provided. Collection method: clinical testing. Allele origin: germline. Not counted in ClinVar's aggregate classification.
Comment: This variant is classified as likely benign based on ACMG/AMP sequence variant interpretation guidelines (Richards et al. 2015 PMID: 25741868, with internal and published modifications).

NM_005956.4(MTHFD1):c.2408A>G (p.Gln803Arg)

Genes: MTHFD1 (methylenetetrahydrofolate dehydrogenase, cyclohydrolase and formyltetrahydrofolate synthetase 1; plus strand), ZBTB25 (zinc finger and BTB domain containing 25; minus strand). Cytogenetic location: 14q23.3.
Variant type: single nucleotide variant.
Coding change: c.2408A>G on transcript NM_005956.4 (MANE Select); coding-DNA position 2408, A replaced by G.
Protein change: p.Gln803Arg; replaces glutamine 803 with arginine.
Molecular consequence: missense variant.
Genome position (GRCh38, 1-based): chr14:64,449,573, A>G. VCF-style: chr14-64449573-A-G. GRCh37 (hg19) VCF-style: chr14-64916291-A-G.
Other names: c.2408A>G, p.Gln803Arg (NM_001364837.1); c.239T>C, p.Leu80Pro (NM_001304508.1); short protein forms Q803R, L80P.
Identifiers: ClinVar variation 738664 (VCV000738664.12), dbSNP rs149791016, ClinGen allele CA7226585.